The following is an entry in ClinVar:

ClinVar aggregate classification (germline): Uncertain significance (1 of 4 stars; one submission).

Conditions:
Brown-Vialetto-van Laere syndrome 1. Also called: BULBAR PALSY, PROGRESSIVE, WITH SENSORINEURAL DEAFNESS; PONTOBULBAR PALSY WITH DEAFNESS; BROWN-VIALETTO-VAN LAERE SYNDROME 1, MILD. Identifiers: Orphanet 572550, Orphanet 97229, MedGen C0796274, MONDO:0024537, OMIM 211530.

Submission:

Labcorp Genetics (formerly Invitae), Labcorp
Classification: Uncertain significance for Brown-Vialetto-van Laere syndrome 1. Last evaluated: 2025-06-22. Review status: criteria provided, single submitter. Criteria: Invitae Variant Classification Sherloc (09022015). Collection method: clinical testing. Allele origin: germline.
Comment: This sequence change replaces serine, which is neutral and polar, with arginine, which is basic and polar, at codon 131 of the SLC52A3 protein (p.Ser131Arg). This variant is not present in population databases (gnomAD no frequency). This variant has not been reported in the literature in individuals affected with SLC52A3-related conditions. Invitae Evidence Modeling of protein sequence and biophysical properties (such as structural, functional, and spatial information, amino acid conservation, physicochemical variation, residue mobility, and thermodynamic stability) has been performed for this missense variant. However, the output from this modeling did not meet the statistical confidence thresholds required to predict the impact of this variant on SLC52A3 protein function. In summary, the available evidence is currently insufficient to determine the role of this variant in disease. Therefore, it has been classified as a Variant of Uncertain Significance.

NM_033409.4(SLC52A3):c.393C>A (p.Ser131Arg)

Gene: SLC52A3 (solute carrier family 52 member 3; minus strand). Cytogenetic location: 20p13.
Variant type: single nucleotide variant.
Coding change: c.393C>A on transcript NM_033409.4 (MANE Select); coding-DNA position 393, C replaced by A.
Protein change: p.Ser131Arg; replaces serine 131 with arginine.
Molecular consequence: missense variant.
Genome position (GRCh38, 1-based): chr20:765,382, G>T on the plus strand (C>A on the coding strand, the complement: SLC52A3 is on the minus strand). VCF-style: chr20-765382-G-T. GRCh37 (hg19) VCF-style: chr20-746026-G-T.
Other names: c.393C>A, p.Ser131Arg (NM_001370085.1, NM_001370086.1); short protein forms S131R.
Identifiers: ClinVar variation 4709786 (VCV004709786.1).
Genomic context (GRCh38, chr20:765,382, plus strand): 5'-CAAGAGGCCGCTGAGTCCTTCACCCACAAAGAAGGTGGTGAGGTAGTAGGTGGGCAGCCG[G>T]CTCATGAACGGCAGGAAGGTCACTGAAGAGGTGCAGTCCACCAGGGCCAGGAAGAAGGTG-3'
Protein context (NP_212134.3, residues 121-141): TSSVTFLPFM[Ser131Arg]RLPTYYLTTF